The following is an entry in ClinVar:

NM_144687.4(NLRP12):c.1451A>G (p.His484Arg)

Gene: NLRP12 (NLR family pyrin domain containing 12; minus strand). Cytogenetic location: 19q13.42.
Variant type: single nucleotide variant.
Coding change: c.1451A>G on transcript NM_144687.4 (MANE Select); coding-DNA position 1451, A replaced by G.
Protein change: p.His484Arg; replaces histidine 484 with arginine.
Molecular consequence: missense variant.
Genome position (GRCh38, 1-based): chr19:53,810,208, T>C on the plus strand (A>G on the coding strand, the complement: NLRP12 is on the minus strand). VCF-style: chr19-53810208-T-C. GRCh37 (hg19) VCF-style: chr19-54313462-T-C.
Other names: c.1451A>G, p.His484Arg (NM_001277126.2, NM_001277129.1); short protein forms H484R.
Identifiers: ClinVar variation 2771823 (VCV002771823.3), dbSNP rs2514337563, ClinGen allele CA407413491.

ClinVar aggregate classification (germline): Uncertain significance (1 of 4 stars; one submission).

Conditions:
Familial cold autoinflammatory syndrome 2 (FCAS2). Identifiers: Orphanet 247868, MedGen C2673198, MONDO:0012724, OMIM 611762.

Submission:

Labcorp Genetics (formerly Invitae), Labcorp
Classification: Uncertain significance for Familial cold autoinflammatory syndrome 2. Last evaluated: 2023-10-25. Review status: criteria provided, single submitter. Criteria: Invitae Variant Classification Sherloc (09022015). Collection method: clinical testing. Allele origin: germline.
Comment: This sequence change replaces histidine, which is basic and polar, with arginine, which is basic and polar, at codon 484 of the NLRP12 protein (p.His484Arg). This variant is not present in population databases (gnomAD no frequency). This variant has not been reported in the literature in individuals affected with NLRP12-related conditions. Advanced modeling of protein sequence and biophysical properties (such as structural, functional, and spatial information, amino acid conservation, physicochemical variation, residue mobility, and thermodynamic stability) performed at Invitae indicates that this missense variant is not expected to disrupt NLRP12 protein function with a negative predictive value of 80%. In summary, the available evidence is currently insufficient to determine the role of this variant in disease. Therefore, it has been classified as a Variant of Uncertain Significance.